The following is an entry in ClinVar:

ClinVar aggregate classification (germline): Likely pathogenic (1 of 4 stars; one submission).

Conditions:
Jeune thoracic dystrophy. Also called: Short-rib thoracic dysplasia; Jeune syndrome; Infantile thoracic dystrophy; Thoracic pelvic phalangeal dystrophy; Jeune's syndrome; Chondroectodermal dysplasia-like syndrome. Identifiers: Orphanet 474, MedGen C0265275, MONDO:0018770.

Submission:

Labcorp Genetics (formerly Invitae), Labcorp
Classification: Likely pathogenic for Jeune thoracic dystrophy. Last evaluated: 2022-12-14. Review status: criteria provided, single submitter. Criteria: Invitae Variant Classification Sherloc (09022015). Collection method: clinical testing. Allele origin: germline.
Comment: This sequence change affects an acceptor splice site in intron 46 of the DYNC2H1 gene. It is expected to disrupt RNA splicing. Variants that disrupt the donor or acceptor splice site typically lead to a loss of protein function (PMID: 16199547), and loss-of-function variants in DYNC2H1 are known to be pathogenic (PMID: 23339108, 32753734). This variant is not present in population databases (gnomAD no frequency). This variant has not been reported in the literature in individuals affected with DYNC2H1-related conditions. Algorithms developed to predict the effect of sequence changes on RNA splicing suggest that this variant may disrupt the consensus splice site. In summary, the currently available evidence indicates that the variant is pathogenic, but additional data are needed to prove that conclusively. Therefore, this variant has been classified as Likely Pathogenic.

Literature cited by the submitters: PubMed 16199547; PubMed 23339108; PubMed 32753734.

NM_001377.3(DYNC2H1):c.7541-2A>G

Gene: DYNC2H1 (dynein cytoplasmic 2 heavy chain 1; plus strand). Cytogenetic location: 11q22.3.
Variant type: single nucleotide variant.
Coding change: c.7541-2A>G on transcript NM_001377.3 (MANE Select); the canonical splice acceptor site of the intron before coding-DNA position 7541, A replaced by G.
Molecular consequence: splice acceptor variant.
Genome position (GRCh38, 1-based): chr11:103,192,095, A>G. VCF-style: chr11-103192095-A-G. GRCh37 (hg19) VCF-style: chr11-103062824-A-G.
Other names: c.7541-2A>G (NM_001080463.2).
Identifiers: ClinVar variation 2793144 (VCV002793144.3), dbSNP rs2496317302, ClinGen allele CA382254255.